The following is an entry in ClinVar:

ClinVar aggregate classification (germline): Pathogenic/Likely pathogenic. Review status: criteria provided, multiple submitters, no conflicts (2 of 4 stars). 2 submissions from 2 submitters: Pathogenic (1); Likely pathogenic (1). Last evaluated 2024-05-01.

Conditions:
Epidermolysis bullosa, junctional 5A, intermediate. Also called: EPIDERMOLYSIS BULLOSA, JUNCTIONAL 5A, GENERALIZED INTERMEDIATE; EPIDERMOLYSIS BULLOSA, JUNCTIONAL 5A, NON-HERLITZ TYPE. Identifiers: MedGen C5676956, MONDO:0030768, OMIM 619816.
Junctional epidermolysis bullosa with pyloric atresia. Also called: Epidermolysis bullosa, junctional, with pyloric atresia and aplasia cutis congenita; Epidermolysis bullosa junctionalis with pyloric atresia; EPIDERMOLYSIS BULLOSA, JUNCTIONAL 5B, WITH PYLORIC ATRESIA; EB-PA-ACC; APLASIA CUTIS CONGENITA WITH GASTROINTESTINAL ATRESIA; CARMI SYNDROME. Identifiers: Orphanet 79403, MedGen C5676875, MONDO:0009183, OMIM 226730.

Submissions (2):

Fulgent Genetics
Classification: Likely pathogenic for Junctional epidermolysis bullosa with pyloric atresia; Epidermolysis bullosa, junctional 5A, intermediate. Last evaluated: 2024-05-01. Review status: criteria provided, single submitter. Criteria: ACMG Guidelines, 2015. Collection method: clinical testing. Allele origin: germline.

Labcorp Genetics (formerly Invitae), Labcorp
Classification: Pathogenic. Last evaluated: 2024-01-11. Review status: criteria provided, single submitter. Criteria: Invitae Variant Classification Sherloc (09022015). Collection method: clinical testing. Allele origin: germline.
Comment: This sequence change creates a premature translational stop signal (p.Ala1617Hisfs*13) in the ITGB4 gene. It is expected to result in an absent or disrupted protein product. Loss-of-function variants in ITGB4 are known to be pathogenic (PMID: 11328943, 16473856). This variant is not present in population databases (gnomAD no frequency). This variant has not been reported in the literature in individuals affected with ITGB4-related conditions. For these reasons, this variant has been classified as Pathogenic.

Literature cited by the submitters: PubMed 11328943 (cited by Labcorp Genetics (formerly Invitae), Labcorp); PubMed 16473856 (cited by Labcorp Genetics (formerly Invitae), Labcorp).

NM_000213.5(ITGB4):c.5058_5064del (p.Ala1687fs)

Genes: GALK1 (galactokinase 1; minus strand), ITGB4 (integrin subunit beta 4; plus strand). Cytogenetic location: 17q25.1.
Variant type: Deletion.
Coding change: c.5058_5064del on transcript NM_000213.5 (MANE Select); coding-DNA positions 5058 to 5064, 7 bases deleted (AGCCACC; older notation c.5058_5064delAGCCACC).
Protein change: p.Ala1687fs; shifts the reading frame from alanine 1687.
Molecular consequence: frameshift variant. On other transcripts: intron variant (1).
Genome position (GRCh38, 1-based): chr17:75,756,947-75,756,953, AGCCACC deleted; deleting any 7 consecutive bases within chr17:75,756,945-75,756,953 gives the same sequence; the c. name uses the placement nearest the transcript's 3' end. VCF-style (leftmost placement, unchanged base first): chr17-75756944-GCCAGCCA-G. GRCh37 (hg19) VCF-style: chr17-73753025-GCCAGCCA-G.
Other names: c.5007_5013del, p.Ala1670fs (NM_001005619.2); c.4848_4854del, p.Ala1617fs (NM_001005731.3, NM_001321123.2); c.4698_4704del, p.Ala1567fs (NM_001438834.1); c.*22+1083_*22+1089del (NM_001381985.1); short protein forms A1617fs, A1687fs, A1670fs, A1567fs.
Identifiers: ClinVar variation 2872718 (VCV002872718.4), dbSNP rs2545888966, ClinGen allele CA2739268387.